The following is an entry in ClinVar:

NC_000003.11:g.(?_167402096)_(167543111_?)dup

Genes: SERPINI1 (serpin family I member 1; plus strand), PDCD10 (programmed cell death 10; minus strand). Cytogenetic location: 3q26.1.
Variant type: Duplication.
Identifiers: ClinVar variation 1436757 (VCV001436757.4).

ClinVar aggregate classification (germline): Uncertain significance (1 of 4 stars; one submission).

Conditions:
Familial encephalopathy with neuroserpin inclusion bodies. Also called: ENCEPHALOPATHY, FAMILIAL, WITH COLLINS BODIES. Identifiers: Orphanet 85110, MedGen C1858680, MONDO:0011412, OMIM 604218.

Submission:

Labcorp Genetics (formerly Invitae), Labcorp
Classification: Uncertain significance for Familial encephalopathy with neuroserpin inclusion bodies. Last evaluated: 2022-08-31. Review status: criteria provided, single submitter. Criteria: Invitae Variant Classification Sherloc (09022015). Collection method: clinical testing. Allele origin: germline.
Comment: A copy number gain of the genomic region encompassing the full coding sequence of the SERPINI1 gene has been identified. The boundaries of this event are unknown as they extend beyond the assayed region for this gene and therefore may encompass additional genes. As the precise location of this event is unknown, it may be in tandem or it may be located elsewhere in the genome. This variant has not been reported in the literature in individuals affected with SERPINI1-related conditions. In summary, the available evidence is currently insufficient to determine the role of this variant in disease. Therefore, it has been classified as a Variant of Uncertain Significance.